The following is an entry in ClinVar:

ClinVar aggregate classification (germline): Uncertain significance (1 of 4 stars; one submission).

Submission:

GeneDx
Classification: Uncertain significance. Last evaluated: 2025-02-25. Review status: criteria provided, single submitter. Criteria: GeneDx Variant Classification Process June 2021. Collection method: clinical testing. Allele origin: germline. Affected: yes.
Comment: In silico analysis supports that this missense variant has a deleterious effect on protein structure/function; Has not been previously published as pathogenic or benign to our knowledge

NM_000069.3(CACNA1S):c.1769C>T (p.Thr590Ile)

Gene: CACNA1S (calcium voltage-gated channel subunit alpha1 S; minus strand). Cytogenetic location: 1q32.1.
Variant type: single nucleotide variant.
Coding change: c.1769C>T on transcript NM_000069.3 (MANE Select); coding-DNA position 1769, C replaced by T.
Protein change: p.Thr590Ile; replaces threonine 590 with isoleucine.
Molecular consequence: missense variant.
Genome position (GRCh38, 1-based): chr1:201,076,978, G>A on the plus strand (C>T on the coding strand, the complement: CACNA1S is on the minus strand). VCF-style: chr1-201076978-G-A. GRCh37 (hg19) VCF-style: chr1-201046106-G-A.
Other names: short protein forms T590I.
Identifiers: ClinVar variation 4076629 (VCV004076629.1).